The following is an entry in ClinVar:

ClinVar aggregate classification (germline): Likely benign (0 of 4 stars; one submission).

Conditions:
CLU-related disorder. Also called: CLU-related condition.

Allele frequency attached by ClinVar (database versions not stated): ExAC 0.00001; gnomAD 0.00001; gnomAD exomes 0.00003.

Submission:

PreventionGenetics, part of Exact Sciences
Classification: Likely benign for CLU-related condition. Last evaluated: 2020-07-02. Review status: no assertion criteria provided. Collection method: clinical testing. Allele origin: germline.
Comment: This variant is classified as likely benign based on ACMG/AMP sequence variant interpretation guidelines (Richards et al. 2015 PMID: 25741868, with internal and published modifications).

NM_001831.4(CLU):c.120G>A (p.Lys40=)

Gene: CLU (clusterin; minus strand). Cytogenetic location: 8p21.1.
Variant type: single nucleotide variant.
Coding change: c.120G>A on transcript NM_001831.4 (MANE Select); coding-DNA position 120, G replaced by A.
Protein change: p.Lys40=; no amino-acid change (lysine 40 retained).
Molecular consequence: synonymous variant. On other transcripts: non-coding transcript variant (2).
Genome position (GRCh38, 1-based): chr8:27,609,064, C>T on the plus strand (G>A on the coding strand, the complement: CLU is on the minus strand). VCF-style: chr8-27609064-C-T. GRCh37 (hg19) VCF-style: chr8-27466581-C-T.
Other names: c.153G>A, p.Lys51= (NM_001171138.1); c.120G>A, p.Lys40= (NM_203339.3).
Identifiers: ClinVar variation 3057755 (VCV003057755.2), dbSNP rs762317872, ClinGen allele CA4691061.